The following is an entry in ClinVar:

ClinVar aggregate classification (germline): Pathogenic/Likely pathogenic. Review status: criteria provided, multiple submitters, no conflicts (2 of 4 stars). 2 submissions from 2 submitters: Pathogenic (1); Likely pathogenic (1). Last evaluated 2023-11-13.

Conditions:
COL11A1-related disorder. Also called: COL11A1-related disorders; COL11A1-related condition.

Submissions (2):

Labcorp Genetics (formerly Invitae), Labcorp
Classification: Pathogenic. Last evaluated: 2023-11-13. Review status: criteria provided, single submitter. Criteria: Invitae Variant Classification Sherloc (09022015). Collection method: clinical testing. Allele origin: germline.
Comment: This sequence change creates a premature translational stop signal (p.Cys243*) in the COL11A1 gene. It is expected to result in an absent or disrupted protein product. Loss-of-function variants in COL11A1 are known to be pathogenic (PMID: 20513134, 21035103, 23922384, 25240749, 32427345, 32756486). This variant is not present in population databases (gnomAD no frequency). This variant has not been reported in the literature in individuals affected with COL11A1-related conditions. For these reasons, this variant has been classified as Pathogenic.

Blueprint Genetics
Classification: Likely pathogenic for COL11A1-related disorders. Last evaluated: 2021-08-10. Review status: criteria provided, single submitter. Criteria: ACMG Guidelines, 2015. Collection method: clinical testing. Allele origin: germline. Affected: yes. Observed: 2 variant alleles.

Literature cited by the submitters: PubMed 20513134 (cited by Labcorp Genetics (formerly Invitae), Labcorp); PubMed 21035103 (cited by Labcorp Genetics (formerly Invitae), Labcorp); PubMed 23922384 (cited by Labcorp Genetics (formerly Invitae), Labcorp); PubMed 25240749 (cited by Labcorp Genetics (formerly Invitae), Labcorp); PubMed 32427345 (cited by Labcorp Genetics (formerly Invitae), Labcorp); PubMed 32756486 (cited by Labcorp Genetics (formerly Invitae), Labcorp).

NM_001854.4(COL11A1):c.729_730del (p.Cys243_Asp244delinsTer)

Gene: COL11A1 (collagen type XI alpha 1 chain; minus strand). Cytogenetic location: 1p21.1.
Variant type: Microsatellite.
Coding change: c.729_730del on transcript NM_001854.4 (MANE Select); coding-DNA positions 729 to 730, 2 bases deleted (TG; older notation c.729_730delTG).
Protein change: p.Cys243_Asp244delinsTer.
Molecular consequence: nonsense. On other transcripts: frameshift variant (1), non-coding transcript variant (1).
Genome position (GRCh38, 1-based): chr1:103,031,166-103,031,167, CA deleted on the plus strand (TG on the coding strand, the reverse complement: COL11A1 is on the minus strand); deleting any 2 consecutive bases within chr1:103,031,166-103,031,169 gives the same sequence; the c. name uses the placement nearest the transcript's 3' end. VCF-style (leftmost placement, unchanged base first): chr1-103031165-TCA-T. GRCh37 (hg19) VCF-style: chr1-103496721-TCA-T.
Other names: c.727_728TG[1], p.Cys243Terfs (NM_001168249.1); c.729_730del, p.Cys243_Asp244delinsTer (NM_001190709.2, NM_080629.3, NM_080630.4).
Identifiers: ClinVar variation 2023734 (VCV002023734.5), dbSNP rs2525670965, ClinGen allele CA2580611472.
Genomic context (GRCh38, chr1:103,031,165, plus strand): 5'-GTGCTCCTCACCTCATCTATCTGAGGTTCCTGAGCTTGAGCAGCCTTGGGTGCTGAAGAG[TCA>T]CAGTCTGGACTATAATGCTCACAGTAGTCATATGCTGCCTTGGGATCACCTGTGATCAAA-3'